The following is an entry in ClinVar:

ClinVar aggregate classification (germline): Likely pathogenic (1 of 4 stars; one submission).

Conditions:
Alport syndrome. Also called: Hemorrhagic familial nephritis; Hemorrhagic hereditary nephritis; Congenital hereditary hematuria. Identifiers: Orphanet 63, MedGen C1567741, MONDO:0018965.

Submission:

Natera, Inc.
Classification: Likely pathogenic for Alport syndrome. Last evaluated: 2025-09-04. Review status: criteria provided, single submitter. Criteria: Natera Variant Classification Schema (03/2026). Collection method: clinical testing. Allele origin: germline.
Comment: The c.2536G>T variant in COL4A4 is a missense variant predicted to cause substitution of glycine to cysteine at amino acid 846. This variant is rare in the general population with a frequency below the threshold expected for the associated phenotype(s). This variant is located in a functionally critical region of the protein. Computational prediction algorithms indicate this variant is likely to affect gene or protein function. Given the available evidence, this variant is classified as Likely Pathogenic.

NM_000092.5(COL4A4):c.2536G>T (p.Gly846Cys)

Gene: COL4A4 (collagen type IV alpha 4 chain; minus strand). Cytogenetic location: 2q36.3.
Variant type: single nucleotide variant.
Coding change: c.2536G>T on transcript NM_000092.5 (MANE Select); coding-DNA position 2536, G replaced by T.
Protein change: p.Gly846Cys; replaces glycine 846 with cysteine.
Molecular consequence: missense variant.
Genome position (GRCh38, 1-based): chr2:227,057,448, C>A on the plus strand (G>T on the coding strand, the complement: COL4A4 is on the minus strand). VCF-style: chr2-227057448-C-A. GRCh37 (hg19) VCF-style: chr2-227922164-C-A.
Other names: short protein forms G846C.
Identifiers: ClinVar variation 4817309 (VCV004817309.1).
Genomic context (GRCh38, chr2:227,057,448, plus strand): 5'-TTAATTGTAAGTAGGGTAAGCCCCAGACCCTTCACAGTTCTTGACACTTACCTGGGCTAC[C>A]TGGATACCCAGGGAGTCCCGGTTGCCCTGGTATCCCTGGAGCACCTCTTTCACAGGAATG-3'
Protein context (NP_000083.3, residues 836-856): PGQPGLPGYP[Gly846Cys]SPGAPGGKGQ